The following is an entry in ClinVar:

ClinVar aggregate classification (germline): Likely benign. Review status: reviewed by expert panel (3 of 4 stars). 3 submissions from 3 submitters: Likely benign (1). 2 of the submissions do not count toward it. Last evaluated 2023-02-20.

Conditions:
CDKL5 disorder. Identifiers: MedGen CN296942, MONDO:0100039.
Angelman syndrome-like. Identifiers: MedGen CN128785.
Developmental and epileptic encephalopathy, 2 (DEE2). Also called: INFANTILE SPASM SYNDROME, X-LINKED 2; CDKL5 deficiency disorder. Identifiers: Orphanet 1934, Orphanet 3451, Orphanet 505652, MedGen C4750718, MONDO:0010396, OMIM 300672.

Allele frequency attached by ClinVar (database versions not stated): gnomAD exomes 0.00001; ExAC 0.00002.
gnomAD v4.1: 14 of 1,211,845 alleles (0.0012%); highest among the groups gnomAD compares: Non-Finnish European, 0.0016%; no homozygotes.

Submissions (3):

ClinGen Rett and Angelman-like Disorders Variant Curation Expert Panel
Classification: Likely benign for CDKL5 disorder. Last evaluated: 2023-02-20. Review status: reviewed by expert panel. Criteria: ClinGen RettAS ACMG Specifications V2. Collection method: curation. Allele origin: germline. Inheritance: X-linked inheritance.
Comment: RS1(NM_000330.4) and an alternative transcript of CDKL5 (NM_003159.2) are overlapping transcripts; however, these variants are in the noncoding 3' region of the main CDKL5 transcript (NM_001323289.2). The c.2857G>T (p.Ala953Ser) variant in CDKL5 transcript (NM_003159.2) (RS1 c.185-3137C>A) is present in 2 male individuals in gnomAD (0.002%) (not sufficient to meet BS1 criteria). The p.Ala953Ser variant is found in a patient with an alternate molecular basis of disease (internal database - Invitae) (BP5). Additionally, computational analysis prediction tools suggest that the p.Ala953Ser variant does not have a deleterious impact; however this information does not predict clinical significance on its own (BP4). In summary, the p.Ala953Ser variant in CDKL5 (NM_003159.2) is classified as likely benign based on the ACMG/AMP criteria (BP5, BP4).

Labcorp Genetics (formerly Invitae), Labcorp
Classification: Benign for Developmental and epileptic encephalopathy, 2; Angelman syndrome-like. Last evaluated: 2022-03-14. Review status: criteria provided, single submitter. Criteria: Invitae Variant Classification Sherloc (09022015). Collection method: clinical testing. Allele origin: germline. Not counted in ClinVar's aggregate classification.

Genetic Services Laboratory, University of Chicago
Classification: Uncertain significance. Last evaluated: 2016-03-14. Review status: criteria provided, single submitter. Criteria: ACMG Guidelines, 2015. Collection method: clinical testing. Allele origin: germline. Affected: no. Not counted in ClinVar's aggregate classification.

NM_003159.3(CDKL5):c.2857G>T (p.Ala953Ser)

Genes: CDKL5 (cyclin dependent kinase like 5; plus strand), RS1 (retinoschisin 1; minus strand). Cytogenetic location: Xp22.13.
Variant type: single nucleotide variant.
Coding change: c.2857G>T on transcript NM_003159.3; coding-DNA position 2857, G replaced by T.
Protein change: p.Ala953Ser; replaces alanine 953 with serine.
Molecular consequence: missense variant. On other transcripts: intron variant (1).
Genome position (GRCh38, 1-based): chrX:18,650,469, G>T. VCF-style: chrX-18650469-G-T. GRCh37 (hg19) VCF-style: chrX-18668589-G-T.
Other names: c.2857G>T, p.Ala953Ser (NM_001037343.2); c.185-3137C>A (NM_000330.4); short protein forms A953S.
Identifiers: ClinVar variation 434667 (VCV000434667.17), dbSNP rs767312604, ClinGen allele CA10360734.